The following is an entry in ClinVar:

NC_000009.12:g.133274294_133274295delinsT

Gene: ABO (ABO, alpha 1-3-N-acetylgalactosaminyltransferase and alpha 1-3-galactosyltransferase; minus strand). Cytogenetic location: 9q34.2.
Variant type: Indel.
Genome position: GRCh38 VCF-style: chr9-133274294-CA-T. GRCh37 (hg19) VCF-style: chr9-136149710-CA-T.
Identifiers: ClinVar variation 1172910 (VCV001172910.1), dbSNP rs1554760445, ClinGen allele CA918570809.

ClinVar aggregate classification (germline): association (0 of 4 stars; one submission).

Conditions:
ABO blood group system. Also called: ABO BLOOD GROUP SYSTEM, O PHENOTYPE; ABO BLOOD GROUP SYSTEM, A/B POLYMORPHISM; ABO BLOOD GROUP SYSTEM, A2 PHENOTYPE; ABO BLOOD GROUP SYSTEM, CIS-AB PHENOTYPE; ABO BLOOD GROUP SYSTEM, B(A) PHENOTYPE. Identifiers: MedGen C0000778, OMIM 616093, HP:0032224.

Submission:

Blood Transfusion Service Zurich, Swiss Red Cross
Classification: association for ABO blood group system. Last evaluated: 2021-05-01. Review status: no assertion criteria provided. Collection method: research. Allele origin: inherited. Inheritance: Codominant. Affected: yes.
Comment: ABO blood group system, phenotype A1, diagnostic specificity for ABO*A1.01 blood group allele (rs1554760445 delTGinsA, NG_006669.2:g.5920_5921delinsA). Discriminating variant for ABO*A1.01 and ABO*A1.02 blood group alleles.